The following is an entry in ClinVar:

ClinVar aggregate classification (germline): Benign (0 of 4 stars; one submission).

Conditions:
XIRP2-related disorder. Also called: XIRP2-related condition.

Allele frequency attached by ClinVar (database versions not stated): gnomAD exomes 0.18464; ExAC 0.23092; ESP Exome Variant Server 0.25506; gnomAD 0.27460; TOPMed 0.28124; 1000 Genomes Project 30x 0.34307; 1000 Genomes Project 0.34525.
gnomAD v4.1: 312,421 of 1,612,550 alleles (19%); highest among the groups gnomAD compares: African/African-American, 50%; 36,191 homozygotes.

Submission:

PreventionGenetics, part of Exact Sciences
Classification: Benign for XIRP2-related condition. Last evaluated: 2019-10-21. Review status: no assertion criteria provided. Collection method: clinical testing. Allele origin: germline.
Comment: This variant is classified as benign based on ACMG/AMP sequence variant interpretation guidelines (Richards et al. 2015 PMID: 25741868, with internal and published modifications).

NM_152381.6(XIRP2):c.10455A>G (p.Gln3485=)

Gene: XIRP2 (xin actin binding repeat containing 2; plus strand). Cytogenetic location: 2q24.3.
Variant type: single nucleotide variant.
Coding change: c.10455A>G on transcript NM_152381.6 (MANE Select); coding-DNA position 10455, A replaced by G.
Protein change: p.Gln3485=; no amino-acid change (glutamine 3485 retained).
Molecular consequence: synonymous variant. On other transcripts: intron variant (3).
Genome position (GRCh38, 1-based): chr2:167,251,847, A>G. VCF-style: chr2-167251847-A-G. GRCh37 (hg19) VCF-style: chr2-168108357-A-G.
Other names: c.9789A>G, p.Gln3263= (NM_001199144.2); c.1276-2185A>G (NM_001199143.2); c.1177-2185A>G (NM_001079810.4); c.511-2185A>G (NM_001199145.2).
Identifiers: ClinVar variation 3059797 (VCV003059797.2), dbSNP rs1842233, ClinGen allele CA1948230.